The following is an entry in ClinVar:

NM_182961.4(SYNE1):c.4668G>C (p.Lys1556Asn)

Gene: SYNE1 (spectrin repeat containing nuclear envelope protein 1; minus strand). Cytogenetic location: 6q25.2.
Variant type: single nucleotide variant.
Coding change: c.4668G>C on transcript NM_182961.4 (MANE Select); coding-DNA position 4668, G replaced by C.
Protein change: p.Lys1556Asn; replaces lysine 1556 with asparagine.
Molecular consequence: missense variant.
Genome position (GRCh38, 1-based): chr6:152,430,503, C>G on the plus strand (G>C on the coding strand, the complement: SYNE1 is on the minus strand). VCF-style: chr6-152430503-C-G. GRCh37 (hg19) VCF-style: chr6-152751638-C-G.
Other names: c.4689G>C, p.Lys1563Asn (NM_033071.5); short protein forms K1556N, K1563N.
Identifiers: ClinVar variation 286596 (VCV000286596.13), dbSNP rs774194598, ClinGen allele CA4058505.

ClinVar aggregate classification (germline): Uncertain significance. Review status: criteria provided, multiple submitters, no conflicts (2 of 4 stars). 3 submissions from 3 submitters: Uncertain significance (3). Last evaluated 2026-09-23.

Conditions:
Autosomal recessive ataxia, Beauce type. Also called: Spinocerebellar ataxia, autosomal recessive 8; ATAXIA, RECESSIVE, OF BEAUCE; SYNE1-Related Autosomal Recessive Cerebellar Ataxia; SYNE1 Deficiency. Identifiers: Orphanet 88644, MedGen C1853116, MONDO:0012549, OMIM 610743.
Emery-Dreifuss muscular dystrophy 4, autosomal dominant (EDMD4). Also called: EMERY-DREIFUSS MUSCULAR DYSTROPHY 4 WITH VARIABLE FEATURES. Identifiers: Orphanet 261, MedGen C2751807, MONDO:0013071, OMIM 612998.
SYNE1-related disorder. Also called: SYNE1-related disorders; SYNE1-related disease; SYNE1-related condition.

Allele frequency attached by ClinVar (database versions not stated): ExAC 0.00001; TOPMed 0.00001; gnomAD exomes 0.00002.
gnomAD v4.1: 7 of 1,614,036 alleles (0.00043%); highest among the groups gnomAD compares: East Asian, 0.013%; no homozygotes.

Submissions (3):

PreventionGenetics, part of Exact Sciences
Classification: Uncertain significance for SYNE1-related condition. Last evaluated: 2026-09-23. Review status: criteria provided, single submitter. Criteria: ACMG Guidelines, 2015. Collection method: clinical testing. Allele origin: germline.
Comment: The SYNE1 c.4689G>C variant is predicted to result in the amino acid substitution p.Lys1563Asn. To our knowledge, this variant has not been reported in the literature. This variant is reported in 0.027% of alleles in individuals of East Asian descent in gnomAD. At this time, the clinical significance of this variant is uncertain due to the absence of conclusive functional and genetic evidence.

Labcorp Genetics (formerly Invitae), Labcorp
Classification: Uncertain significance for Emery-Dreifuss muscular dystrophy 4, autosomal dominant; Autosomal recessive ataxia, Beauce type. Last evaluated: 2022-06-13. Review status: criteria provided, single submitter. Criteria: Invitae Variant Classification Sherloc (09022015). Collection method: clinical testing. Allele origin: germline.
Comment: This variant has not been reported in the literature in individuals affected with SYNE1-related conditions. ClinVar contains an entry for this variant (Variation ID: 286596). Algorithms developed to predict the effect of missense changes on protein structure and function are either unavailable or do not agree on the potential impact of this missense change (SIFT: "Deleterious"; PolyPhen-2: "Possibly Damaging"; Align-GVGD: "Class C0"). In summary, the available evidence is currently insufficient to determine the role of this variant in disease. Therefore, it has been classified as a Variant of Uncertain Significance. This variant is present in population databases (rs774194598, gnomAD 0.02%). This sequence change replaces lysine, which is basic and polar, with asparagine, which is neutral and polar, at codon 1563 of the SYNE1 protein (p.Lys1563Asn).

Eurofins Ntd Llc (ga)
Classification: Uncertain significance. Last evaluated: 2016-03-10. Review status: criteria provided, single submitter. Criteria: EGL Classification Definitions 2015. Collection method: clinical testing. Allele origin: germline. Observed: 1 variant allele, 1 heterozygote.